The following is an entry in ClinVar:

ClinVar aggregate classification (germline): Uncertain significance (1 of 4 stars; one submission).

Conditions:
Fanconi anemia (FA). Also called: Fanconi's anemia. Identifiers: Orphanet 84, MedGen C0015625, MeSH D005199, MONDO:0019391.

Submission:

Labcorp Genetics (formerly Invitae), Labcorp
Classification: Uncertain significance for Fanconi anemia. Last evaluated: 2025-12-23. Review status: criteria provided, single submitter. Criteria: Invitae Variant Classification Sherloc (09022015). Collection method: clinical testing. Allele origin: germline.
Comment: This sequence change replaces asparagine, which is neutral and polar, with histidine, which is basic and polar, at codon 263 of the FANCB protein (p.Asn263His). This variant is not present in population databases (gnomAD no frequency). This variant has not been reported in the literature in individuals affected with FANCB-related conditions. Invitae Evidence Modeling of protein sequence and biophysical properties (such as structural, functional, and spatial information, amino acid conservation, physicochemical variation, residue mobility, and thermodynamic stability) indicates that this missense variant is expected to disrupt FANCB protein function with a positive predictive value of 80%. In summary, the available evidence is currently insufficient to determine the role of this variant in disease. Therefore, it has been classified as a Variant of Uncertain Significance.

NM_001018113.3(FANCB):c.787A>C (p.Asn263His)

Gene: FANCB (FA complementation group B; minus strand). Cytogenetic location: Xp22.2.
Variant type: single nucleotide variant.
Coding change: c.787A>C on transcript NM_001018113.3 (MANE Select); coding-DNA position 787, A replaced by C.
Protein change: p.Asn263His; replaces asparagine 263 with histidine.
Molecular consequence: missense variant.
Genome position (GRCh38, 1-based): chrX:14,864,724, T>G on the plus strand (A>C on the coding strand, the complement: FANCB is on the minus strand). VCF-style: chrX-14864724-T-G. GRCh37 (hg19) VCF-style: chrX-14882846-T-G.
Other names: c.787A>C, p.Asn263His (NM_001324162.2, NM_001410764.1, NM_152633.4); short protein forms N263H.
Identifiers: ClinVar variation 4810363 (VCV004810363.1).